The following is an entry in ClinVar:

NM_001286445.3(RIPOR2):c.368C>A (p.Thr123Lys)

Gene: RIPOR2 (RHO family interacting cell polarization regulator 2; minus strand). Cytogenetic location: 6p22.3.
Variant type: single nucleotide variant.
Coding change: c.368C>A on transcript NM_001286445.3 (MANE Select); coding-DNA position 368, C replaced by A.
Protein change: p.Thr123Lys; replaces threonine 123 with lysine.
Molecular consequence: missense variant.
Genome position (GRCh38, 1-based): chr6:24,872,936, G>T on the plus strand (C>A on the coding strand, the complement: RIPOR2 is on the minus strand). VCF-style: chr6-24872936-G-T. GRCh37 (hg19) VCF-style: chr6-24873164-G-T.
Other names: c.383C>A, p.Thr128Lys (NM_001286446.3); c.281C>A, p.Thr94Lys (NM_001286447.2, NM_001346031.2, NM_001346032.2 and 2 more transcripts); c.281C>A (NM_014722.4); short protein forms T94K, T128K, T123K.
Identifiers: ClinVar variation 666748 (VCV000666748.49), dbSNP rs145166802, ClinGen allele CA3659559.
Genomic context (GRCh38, chr6:24,872,936, plus strand): 5'-CCTACCAGGCGAGAGTTTCTTTTCATATCTTTTAACTGAGCTGTCAACTTGTCCAGCTCC[G>T]TCTGGTGAACCTCCAGATATTCACTGCAAAGATAAGACAAGATGTAATCGTAATCTCTGC-3'
Protein context (NP_001273374.1, residues 113-133): GLDEYLEVHQ[Thr123Lys]ELDKLTAQLK

ClinVar aggregate classification (germline): Benign/Likely benign. Review status: criteria provided, multiple submitters, no conflicts (2 of 4 stars). 8 submissions from 8 submitters: Benign (2); Likely benign (5). 1 of the submissions does not count toward it. Last evaluated 2026-05-01.

Conditions:
RIPOR2-related disorder. Also called: RIPOR2-related condition.

Allele frequency attached by ClinVar (database versions not stated): 1000 Genomes Project 0.00060; 1000 Genomes Project 30x 0.00062; ESP Exome Variant Server 0.00208; TOPMed 0.00228.
gnomAD v4.1: 5,062 of 1,611,346 alleles (0.31%); highest among the groups gnomAD compares: Non-Finnish European, 0.4%; 20 homozygotes.

Submissions (8):

CeGaT Center for Human Genetics Tuebingen
Classification: Likely benign. Last evaluated: 2026-05-01. Review status: criteria provided, single submitter. Criteria: CeGaT Center For Human Genetics Tuebingen Variant Classification Criteria Version 2. Collection method: clinical testing. Allele origin: germline. Affected: yes. Observed: 6 variant alleles.
Comment: RIPOR2: BS2

Labcorp Genetics (formerly Invitae), Labcorp
Classification: Likely benign. Last evaluated: 2025-11-11. Review status: criteria provided, single submitter. Criteria: Invitae Variant Classification Sherloc (09022015). Collection method: clinical testing. Allele origin: germline.

Blueprint Genetics
Classification: Likely benign. Last evaluated: 2024-11-14. Review status: criteria provided, single submitter. Criteria: ACMG Guidelines, 2015. Collection method: clinical testing. Allele origin: germline.

GeneDx
Classification: Benign. Last evaluated: 2019-09-13. Review status: criteria provided, single submitter. Criteria: GeneDx Variant Classification Process June 2021. Collection method: clinical testing. Allele origin: germline. Affected: yes.

Athena Diagnostics
Classification: Benign. Last evaluated: 2018-12-28. Review status: criteria provided, single submitter. Criteria: Athena Diagnostics Criteria. Collection method: clinical testing. Allele origin: germline.

Laboratory for Molecular Medicine, Mass General Brigham Personalized Medicine
Classification: Likely benign. Last evaluated: 2018-08-16. Review status: criteria provided, single submitter. Criteria: LMM Criteria. Collection method: clinical testing. Allele origin: germline. Observed: 1 variant allele.
Comment: The p.Thr94Lys variant in RIPOR2 is classified as likely benign because it has b een identified in 0.3% (403/126508) of European chromosomes by the Genome Aggreg ation Database (gnomAD). ACMG/AMP Criteria app lied: BS1.

Breakthrough Genomics
Classification: Likely benign. Review status: criteria provided, single submitter. Criteria: ACMG Guidelines, 2015. Collection method: not provided. Allele origin: germline. Inheritance: Autosomal recessive inheritance. Affected: yes.

PreventionGenetics, part of Exact Sciences
Classification: Likely benign for RIPOR2-related condition. Last evaluated: 2022-02-25. Review status: no assertion criteria provided. Collection method: clinical testing. Allele origin: germline. Not counted in ClinVar's aggregate classification.
Comment: This variant is classified as likely benign based on ACMG/AMP sequence variant interpretation guidelines (Richards et al. 2015 PMID: 25741868, with internal and published modifications).